The following is an entry in ClinVar:

ClinVar aggregate classification (germline): Uncertain significance. Review status: criteria provided, multiple submitters, no conflicts (2 of 4 stars). 3 submissions from 3 submitters: Uncertain significance (3). Last evaluated 2025-07-30.

Conditions:
Hereditary cancer-predisposing syndrome. Also called: Hereditary Cancer Syndrome; Neoplastic Syndromes, Hereditary; Tumor predisposition; Hereditary neoplastic syndrome. Identifiers: Orphanet 140162, MedGen C0027672, MeSH D009386, MONDO:0015356.
Gorlin syndrome. Also called: Nevoid Basal Cell Carcinoma Syndrome; Basal cell nevus syndrome. Identifiers: Orphanet 377, MedGen C0004779, MONDO:0007187.

Allele frequency attached by ClinVar (database versions not stated): gnomAD exomes below 0.00001.
gnomAD v4.1: 2 of 1,613,928 alleles (0.00012%); highest among the groups gnomAD compares: Non-Finnish European, 0.00017%; no homozygotes.

Submissions (3):

Labcorp Genetics (formerly Invitae), Labcorp
Classification: Uncertain significance for Gorlin syndrome. Last evaluated: 2025-07-30. Review status: criteria provided, single submitter. Criteria: Invitae Variant Classification Sherloc (09022015). Collection method: clinical testing. Allele origin: germline.
Comment: This sequence change replaces glycine, which is neutral and non-polar, with arginine, which is basic and polar, at codon 1390 of the PTCH1 protein (p.Gly1390Arg). This variant is present in population databases (no rsID available, gnomAD 0.0009%). This variant has not been reported in the literature in individuals affected with PTCH1-related conditions. ClinVar contains an entry for this variant (Variation ID: 638834). Invitae Evidence Modeling of protein sequence and biophysical properties (such as structural, functional, and spatial information, amino acid conservation, physicochemical variation, residue mobility, and thermodynamic stability) indicates that this missense variant is not expected to disrupt PTCH1 protein function with a negative predictive value of 95%. In summary, the available evidence is currently insufficient to determine the role of this variant in disease. Therefore, it has been classified as a Variant of Uncertain Significance.

Ambry Genetics
Classification: Uncertain significance for Hereditary cancer-predisposing syndrome. Last evaluated: 2025-02-11. Review status: criteria provided, single submitter. Criteria: Ambry Variant Classification Scheme 2023. Collection method: clinical testing. Allele origin: germline.
Comment: The p.G1390R variant (also known as c.4168G>C), located in coding exon 23 of the PTCH1 gene, results from a G to C substitution at nucleotide position 4168. The glycine at codon 1390 is replaced by arginine, an amino acid with dissimilar properties. This amino acid position is conserved. In addition, the in silico prediction for this alteration is inconclusive. Since supporting evidence is limited at this time, the clinical significance of this alteration remains unclear.

Institute for Clinical Genetics, University Hospital TU Dresden, University Hospital TU Dresden
Classification: Uncertain significance. Last evaluated: 2021-11-03. Review status: criteria provided, single submitter. Criteria: ACMG Guidelines, 2015. Collection method: clinical testing. Allele origin: germline.

NM_000264.5(PTCH1):c.4168G>C (p.Gly1390Arg)

Gene: PTCH1 (patched 1; minus strand). Cytogenetic location: 9q22.32.
Variant type: single nucleotide variant.
Coding change: c.4168G>C on transcript NM_000264.5 (MANE Select); coding-DNA position 4168, G replaced by C.
Protein change: p.Gly1390Arg; replaces glycine 1390 with arginine.
Molecular consequence: missense variant. On other transcripts: non-coding transcript variant (1).
Genome position (GRCh38, 1-based): chr9:95,447,088, C>G on the plus strand (G>C on the coding strand, the complement: PTCH1 is on the minus strand). VCF-style: chr9-95447088-C-G. GRCh37 (hg19) VCF-style: chr9-98209370-C-G.
Other names: c.3970G>C, p.Gly1324Arg (NM_001083602.3); c.4165G>C, p.Gly1389Arg (NM_001083603.3); c.3715G>C, p.Gly1239Arg (NM_001083604.3, NM_001083605.3, NM_001083606.3 and 1 more transcripts); c.4012G>C, p.Gly1338Arg (NM_001354918.2); short protein forms G1239R, G1324R, G1389R, G1390R, G1338R.
Identifiers: ClinVar variation 638834 (VCV000638834.15), dbSNP rs1239904766, ClinGen allele CA374110193.